The following is an entry in ClinVar:

ClinVar aggregate classification (germline): Pathogenic (1 of 4 stars; one submission).

Conditions:
Primary ciliary dyskinesia 3. Identifiers: Orphanet 244, MedGen C1837618, MONDO:0012085, OMIM 608644.

Submission:

Myriad Genetics, Inc.
Classification: Pathogenic for Primary ciliary dyskinesia 3. Last evaluated: 2026-03-25. Review status: criteria provided, single submitter. Criteria: Myriad Autosomal Dominant, Autosomal Recessive and X-Linked Classification Criteria (2023). Collection method: clinical testing. Allele origin: unknown.
Comment: NM_001369.2(DNAH5):c.3959T>G(L1320*) is expected to be pathogenic in the context of primary ciliary dyskinesia, DNAH5-related. This variant is predicted to lead to an abnormal or absent protein product due to the creation of a premature termination codon in DNAH5, a gene where loss-of-function variants are known to be pathogenic. Please note: this variant was assessed in the context of healthy population screening.

NM_001369.3(DNAH5):c.3959T>G (p.Leu1320Ter)

Genes: DNAH5 (dynein axonemal heavy chain 5; minus strand), DNAH5-AS1 (DNAH5 antisense RNA 1; plus strand). Cytogenetic location: 5p15.2.
Variant type: single nucleotide variant.
Coding change: c.3959T>G on transcript NM_001369.3 (MANE Select); coding-DNA position 3959, T replaced by G.
Protein change: p.Leu1320Ter; replaces leucine 1320 with a stop codon.
Molecular consequence: nonsense.
Genome position (GRCh38, 1-based): chr5:13,867,868, A>C on the plus strand (T>G on the coding strand, the complement: DNAH5 is on the minus strand). VCF-style: chr5-13867868-A-C. GRCh37 (hg19) VCF-style: chr5-13867977-A-C.
Other names: short protein forms L1320*.
Identifiers: ClinVar variation 5015726 (VCV005015726.1).